The following is an entry in ClinVar:

ClinVar aggregate classification (germline): Uncertain significance. Review status: criteria provided, multiple submitters, no conflicts (2 of 4 stars). 2 submissions from 2 submitters: Uncertain significance (2). Last evaluated 2022-06-04.

Allele frequency attached by ClinVar (database versions not stated): ESP Exome Variant Server 0.00015.
gnomAD v4.1: 9 of 1,613,938 alleles (0.00056%); highest among the groups gnomAD compares: Middle Eastern, 0.016%; no homozygotes.

Submissions (2):

Labcorp Genetics (formerly Invitae), Labcorp
Classification: Uncertain significance. Last evaluated: 2022-06-04. Review status: criteria provided, single submitter. Criteria: Invitae Variant Classification Sherloc (09022015). Collection method: clinical testing. Allele origin: germline.
Comment: This sequence change replaces proline, which is neutral and non-polar, with leucine, which is neutral and non-polar, at codon 898 of the IGF1R protein (p.Pro898Leu). This variant is present in population databases (rs142608976, gnomAD 0.003%). This variant has not been reported in the literature in individuals affected with IGF1R-related conditions. Algorithms developed to predict the effect of missense changes on protein structure and function (SIFT, PolyPhen-2, Align-GVGD) all suggest that this variant is likely to be disruptive. In summary, the available evidence is currently insufficient to determine the role of this variant in disease. Therefore, it has been classified as a Variant of Uncertain Significance.

Centre of Medical Genetics, University Hospital Muenster
Classification: Uncertain significance. Review status: criteria provided, single submitter. Criteria: ACMG Guidelines, 2015. Collection method: clinical testing. Allele origin: unknown. Affected: yes. Observed: 1 variant allele, 1 heterozygote.
Comment: ACMG categories: PM1,PP3,BP1

NM_000875.5(IGF1R):c.2693C>T (p.Pro898Leu)

Gene: IGF1R (insulin like growth factor 1 receptor; plus strand). Cytogenetic location: 15q26.3.
Variant type: single nucleotide variant.
Coding change: c.2693C>T on transcript NM_000875.5 (MANE Select); coding-DNA position 2693, C replaced by T.
Protein change: p.Pro898Leu; replaces proline 898 with leucine.
Molecular consequence: missense variant.
Genome position (GRCh38, 1-based): chr15:98,924,595, C>T. VCF-style: chr15-98924595-C-T. GRCh37 (hg19) VCF-style: chr15-99467824-C-T.
Other names: c.2693C>T, p.Pro898Leu (NM_001291858.2); short protein forms P898L.
Identifiers: ClinVar variation 2191491 (VCV002191491.6), dbSNP rs142608976, ClinGen allele CA7752474.
Genomic context (GRCh38, chr15:98,924,595, plus strand): 5'-AATGTGTGTCCAGACAGGAATACAGGAAGTATGGAGGGGCCAAGCTAAACCGGCTAAACC[C>T]GGGGAACTACACAGCCCGGATTCAGGCCACATCTCTCTCTGGGAATGGGTCGTGGACAGA-3'
Protein context (NP_000866.1, residues 888-908): YGGAKLNRLN[Pro898Leu]GNYTARIQAT